The following is an entry in ClinVar:

NM_007294.4(BRCA1):c.5082G>A (p.Glu1694=)

Gene: BRCA1 (BRCA1 DNA repair associated; minus strand). Cytogenetic location: 17q21.31.
Variant type: single nucleotide variant.
Coding change: c.5082G>A on transcript NM_007294.4 (MANE Select); coding-DNA position 5082, G replaced by A.
Protein change: p.Glu1694=; no amino-acid change (glutamic acid 1694 retained).
Molecular consequence: synonymous variant. On other transcripts: intron variant (2).
Genome position (GRCh38, 1-based): chr17:43,063,944, C>T on the plus strand (G>A on the coding strand, the complement: BRCA1 is on the minus strand). VCF-style: chr17-43063944-C-T. GRCh37 (hg19) VCF-style: chr17-41215961-C-T.
Other names: c.1506G>A, p.Glu502= (NM_001408504.1, NM_001408502.1, NM_001408503.1); c.1503G>A, p.Glu501= (NM_001408505.1); c.1446G>A, p.Glu482= (NM_001408506.1); c.1443G>A, p.Glu481= (NM_001408507.1); c.1434G>A, p.Glu478= (NM_001408508.1); c.1431G>A, p.Glu477= (NM_001408509.1); c.1392G>A, p.Glu464= (NM_001408510.1); c.1389G>A, p.Glu463= (NM_001408511.1); and 73 more.
Identifiers: ClinVar variation 868620 (VCV000868620.3), dbSNP rs2051934604, ClinGen allele CA500146215.

Conditions:
Breast-ovarian cancer, familial, susceptibility to, 1 (BROVCA1). Also called: BRCA1 Hereditary Breast and Ovarian Cancer; OVARIAN CANCER, SUSCEPTIBILITY TO. Identifiers: Orphanet 145, MedGen C2676676, MONDO:0011450, OMIM 604370. Disease mechanism: loss of function.

Submission:

Brotman Baty Institute, University of Washington
No classification provided (evidence only). Condition: Breast-ovarian cancer, familial 1. Review status: no classification provided. Collection method: in vitro. Allele origin: not applicable. Functional consequence: functionally_normal.
ClinVar note: "not provided" was previously submitted as the classification for the variant. However, the classification appeared to be based only on an observation of functional data so it was converted to no classification on 2025-07-30.